The following is an entry in ClinVar:

ClinVar aggregate classification (germline): Likely benign (1 of 4 stars; one submission).

gnomAD v4.1: 1 of 1,614,246 alleles (0.000062%); highest among the groups gnomAD compares: Non-Finnish European, 0.000085%; no homozygotes.

Submission:

CeGaT Center for Human Genetics Tuebingen
Classification: Likely benign. Last evaluated: 2026-02-01. Review status: criteria provided, single submitter. Criteria: CeGaT Center For Human Genetics Tuebingen Variant Classification Criteria Version 2. Collection method: clinical testing. Allele origin: germline. Affected: yes. Observed: 1 variant allele.
Comment: SYNE1: BP4, BP7

NM_182961.4(SYNE1):c.25563G>A (p.Gln8521=)

Gene: SYNE1 (spectrin repeat containing nuclear envelope protein 1; minus strand). Cytogenetic location: 6q25.2.
Variant type: single nucleotide variant.
Coding change: c.25563G>A on transcript NM_182961.4 (MANE Select); coding-DNA position 25563, G replaced by A.
Protein change: p.Gln8521=; no amino-acid change (glutamine 8521 retained).
Molecular consequence: synonymous variant.
Genome position (GRCh38, 1-based): chr6:152,136,714, C>T on the plus strand (G>A on the coding strand, the complement: SYNE1 is on the minus strand). VCF-style: chr6-152136714-C-T. GRCh37 (hg19) VCF-style: chr6-152457849-C-T.
Other names: c.2169G>A, p.Gln723= (NM_001347701.2); c.2097G>A, p.Gln699= (NM_001347702.2); c.25419G>A, p.Gln8473= (NM_033071.5).
Identifiers: ClinVar variation 4823424 (VCV004823424.4).
Genomic context (GRCh38, chr6:152,136,714, plus strand): 5'-CCACTCCTCCAGCAGAGAGCACACTCGGTCCCAGCGCCCATTCATCTGCGACAAGCGATC[C>T]TGCAGGTCCCGGCTCTCCTTGCTGTCAGCCTGGGTGAACTCAGGGCTGCAGAGATTGATG-3'
Protein context (NP_892006.3, residues 8511-8531): QADSKESRDL[Gln8521=]DRLSQMNGRW